The following is an entry in ClinVar:

ClinVar aggregate classification (germline): Benign/Likely benign. Review status: criteria provided, multiple submitters, no conflicts (2 of 4 stars). 4 submissions from 3 submitters: Benign (1); Likely benign (3). Last evaluated 2021-07-10.

Conditions:
Sialuria. Also called: Sialic Acid Storage Disease; SIALURIA, FRENCH TYPE. Identifiers: Orphanet 3166, MedGen C0342853, MONDO:0010028, OMIM 269921.
GNE myopathy (NM). Also called: INCLUSION BODY MYOPATHY, HEREDITARY, AUTOSOMAL RECESSIVE; INCLUSION BODY MYOPATHY 2, AUTOSOMAL RECESSIVE; MYOPATHY, DISTAL, WITH OR WITHOUT RIMMED VACUOLES; NONAKA DISTAL MYOPATHY; IBM 2; Inclusion body myopathy autosomal recessive. Identifiers: Orphanet 602, MedGen C1853926, MONDO:0011603, OMIM 605820.

Allele frequency attached by ClinVar (database versions not stated): TOPMed 0.00133; 1000 Genomes Project 0.00180; 1000 Genomes Project 30x 0.00156; gnomAD 0.00436.
gnomAD v4.1: 2,785 of 1,243,442 alleles (0.22%); highest among the groups gnomAD compares: Middle Eastern, 0.58%; 11 homozygotes.

Submissions (4):

Genome-Nilou Lab
Classification: Benign for Sialuria. Last evaluated: 2021-07-10. Review status: criteria provided, single submitter. Criteria: ACMG Guidelines, 2015. Collection method: clinical testing. Allele origin: germline. Affected: no.

Genome-Nilou Lab
Classification: Likely benign for GNE myopathy. Last evaluated: 2021-07-10. Review status: criteria provided, single submitter. Criteria: ACMG Guidelines, 2015. Collection method: clinical testing. Allele origin: germline. Affected: no.

GeneDx
Classification: Likely benign. Last evaluated: 2018-06-19. Review status: criteria provided, single submitter. Criteria: GeneDx Variant Classification (06012015). Collection method: clinical testing. Allele origin: germline. Affected: yes.
Comment: This variant is considered likely benign or benign based on one or more of the following criteria: it is a conservative change, it occurs at a poorly conserved position in the protein, it is predicted to be benign by multiple in silico algorithms, and/or has population frequency not consistent with disease.

Breakthrough Genomics
Classification: Likely benign. Review status: criteria provided, single submitter. Criteria: ACMG Guidelines, 2015. Collection method: not provided. Allele origin: germline. Inheritance: Autosomal recessive inheritance. Affected: yes.

NM_001128227.3(GNE):c.51+63A>G

Gene: GNE (glucosamine (UDP-N-acetyl)-2-epimerase/N-acetylmannosamine kinase; minus strand). Cytogenetic location: 9p13.3.
Variant type: single nucleotide variant.
Coding change: c.51+63A>G on transcript NM_001128227.3 (MANE Plus Clinical); 63 bases into the intron after coding-DNA position 51, A replaced by G.
Molecular consequence: intron variant.
Genome position (GRCh38, 1-based): chr9:36,276,831, T>C on the plus strand (A>G on the coding strand, the complement: GNE is on the minus strand). VCF-style: chr9-36276831-T-C. GRCh37 (hg19) VCF-style: chr9-36276828-T-C.
Other names: c.-14+63A>G (NM_001190388.2).
Identifiers: ClinVar variation 678256 (VCV000678256.7), dbSNP rs185045598, ClinGen allele CA192854235.